The following is an entry in ClinVar:

ClinVar aggregate classification (germline): Pathogenic. Review status: criteria provided, single submitter (1 of 4 stars). 3 submissions from 3 submitters: Pathogenic (1). 2 of the submissions do not count toward it. Last evaluated 2023-10-06.

Conditions:
Neuromuscular disease caused by qualitative or quantitative defects of dysferlin. Also called: Qualitative or quantitative defects of dysferlin; Dysferlinopathy. Identifiers: Orphanet 207073, MedGen C2931687, MONDO:0016145.
Autosomal recessive limb-girdle muscular dystrophy type 2B (LGMDR2). Also called: Limb-Girdle Muscular Dystrophy Type 2B (LGMD2B); MUSCULAR DYSTROPHY, LIMB-GIRDLE, AUTOSOMAL RECESSIVE 2; MUSCULAR DYSTROPHY, LIMB-GIRDLE, TYPE 3; Limb-girdle muscular dystrophy, type 2B. Identifiers: Orphanet 268, MedGen C1850889, MONDO:0009676, OMIM 253601.

Allele frequency attached by ClinVar (database versions not stated): gnomAD exomes below 0.00001.
gnomAD v4.1: 1 of 1,614,004 alleles (0.000062%); highest among the groups gnomAD compares: Non-Finnish European, 0.000085%; no homozygotes.

Submissions (3):

Labcorp Genetics (formerly Invitae), Labcorp
Classification: Pathogenic for Neuromuscular disease caused by qualitative or quantitative defects of dysferlin. Last evaluated: 2023-10-06. Review status: criteria provided, single submitter. Criteria: Invitae Variant Classification Sherloc (09022015). Collection method: clinical testing. Allele origin: germline.
Comment: This sequence change creates a premature translational stop signal (p.Gln1330*) in the DYSF gene. It is expected to result in an absent or disrupted protein product. Loss-of-function variants in DYSF are known to be pathogenic (PMID: 17698709, 20301480). This variant is not present in population databases (gnomAD no frequency). This premature translational stop signal has been observed in individuals with dysferlinopathy (PMID: 25591676, 27647186, 30107846). ClinVar contains an entry for this variant (Variation ID: 554013). For these reasons, this variant has been classified as Pathogenic.

Department of Neurology, Guangzhou First People’s Hospital, School of Medicine, South China University of Technology
Classification: Pathogenic. Last evaluated: 2019-07-01. Review status: no assertion criteria provided. Collection method: reference population. Allele origin: paternal. Affected: yes. Not counted in ClinVar's aggregate classification.

Counsyl
Classification: Pathogenic for Autosomal recessive limb-girdle muscular dystrophy type 2B. Last evaluated: 2017-09-24. Review status: no assertion criteria provided. Collection method: clinical testing. Allele origin: unknown. Not counted in ClinVar's aggregate classification.

Literature cited by the submitters: PubMed 17698709 (cited by Labcorp Genetics (formerly Invitae), Labcorp); PubMed 20301480 (cited by Labcorp Genetics (formerly Invitae), Labcorp); PubMed 25591676 (cited by Labcorp Genetics (formerly Invitae), Labcorp); PubMed 27647186 (cited by Labcorp Genetics (formerly Invitae), Labcorp and Counsyl); PubMed 30107846 (cited by Labcorp Genetics (formerly Invitae), Labcorp).

NM_001130987.2(DYSF):c.4042C>T (p.Gln1348Ter)

Gene: DYSF (dysferlin; plus strand). Cytogenetic location: 2p13.2.
Variant type: single nucleotide variant.
Coding change: c.4042C>T on transcript NM_001130987.2 (MANE Select); coding-DNA position 4042, C replaced by T.
Protein change: p.Gln1348Ter; replaces glutamine 1348 with a stop codon.
Molecular consequence: nonsense.
Genome position (GRCh38, 1-based): chr2:71,611,329, C>T. VCF-style: chr2-71611329-C-T. GRCh37 (hg19) VCF-style: chr2-71838459-C-T.
Other names: c.3991C>T, p.Gln1331Ter (NM_001130455.2, NM_001130983.2); c.3946C>T, p.Gln1316Ter (NM_001130976.2, NM_001130977.2); c.3988C>T, p.Gln1330Ter (NM_001130978.2, NM_003494.4); c.4081C>T, p.Gln1361Ter (NM_001130979.2); c.4039C>T, p.Gln1347Ter (NM_001130980.2, NM_001130981.2); c.4084C>T, p.Gln1362Ter (NM_001130982.2); c.3949C>T, p.Gln1317Ter (NM_001130984.2, NM_001130986.2); c.4042C>T, p.Gln1348Ter (NM_001130985.2); short protein forms Q1348*, Q1330*, Q1316*, Q1317*, Q1362*, Q1331*, Q1347*, Q1361*.
Identifiers: ClinVar variation 554013 (VCV000554013.11), dbSNP rs778092738, ClinGen allele CA49778670.
Genomic context (GRCh38, chr2:71,611,329, plus strand): 5'-CCACCACCCCAGAGGGAGGCCAACATCTACATGGTTCCTCAGAACATCAAGCCAGCGCTC[C>T]AGCGTACCGCCATCGAGGTGAGCCGTCCGGGCCTGGGCGTGGGGGCTGGGAGCAGCCTGC-3'